The following is an entry in ClinVar:

NM_001033855.3(DCLRE1C):c.1756_1757del (p.Ile586fs)

Gene: DCLRE1C (DNA cross-link repair 1C; minus strand). Cytogenetic location: 10p13.
Variant type: Microsatellite.
Coding change: c.1756_1757del on transcript NM_001033855.3 (MANE Select); coding-DNA positions 1756 to 1757, 2 bases deleted (AT; older notation c.1756_1757delAT).
Protein change: p.Ile586fs; shifts the reading frame from isoleucine 586.
Molecular consequence: frameshift variant. On other transcripts: non-coding transcript variant (4).
Genome position (GRCh38, 1-based): chr10:14,908,730-14,908,731, AT deleted on the plus strand (AT on the coding strand, the reverse complement: DCLRE1C is on the minus strand); deleting any 2 consecutive bases within chr10:14,908,730-14,908,733 gives the same sequence; the c. name uses the placement nearest the transcript's 3' end. VCF-style (leftmost placement, unchanged base first): chr10-14908729-AAT-A. GRCh37 (hg19) VCF-style: chr10-14950728-AAT-A.
Other names: c.1396_1397del, p.Ile466fs (NM_001033857.3, NM_001033858.3, NM_001289077.2 and 2 more transcripts); c.1411_1412del, p.Ile471fs (NM_001289076.2, NM_001289078.2, NM_001350966.2 and 1 more transcripts); c.1756_1757del, p.Ile586fs (NM_001350965.2); c.1756_1757del (NM_001033855.2); short protein forms I471fs, I586fs, I466fs.
Identifiers: ClinVar variation 1930491 (VCV001930491.5), dbSNP rs1834739937, ClinGen allele CA1892356421.

ClinVar aggregate classification (germline): Conflicting classifications of pathogenicity. Review status: criteria provided, conflicting classifications (1 of 4 stars). 2 submissions from 2 submitters: Likely pathogenic (1); Uncertain significance (1). Last evaluated 2025-02-05.

Conditions:
Athabaskan severe combined immunodeficiency (SCIDA). Also called: Severe combined immunodeficiency, athabascan-type. Identifiers: MedGen C1865370.
Severe combined immunodeficiency due to DCLRE1C deficiency (RS-SCID). Also called: SCID, AUTOSOMAL RECESSIVE, T CELL-NEGATIVE, B CELL-NEGATIVE, NK CELL-POSITIVE, WITH SENSITIVITY TO IONIZING RADIATION. Identifiers: Orphanet 275, MedGen C1865371, MONDO:0011225, OMIM 602450.

Submissions (2):

Natera, Inc.
Classification: Likely pathogenic for Athabascan severe combined immunodeficiency. Last evaluated: 2025-02-05. Review status: criteria provided, single submitter. Criteria: Natera Variant Classification Schema (03/2026). Collection method: clinical testing. Allele origin: germline.
Comment: The c.1756_1757del variant in DCLRE1C is a frameshift variant predicted to shift the reading frame beginning at codon 586 and leads to a stop codon 18 codons downstream. This variant is expected to result in nonsense mediated decay, truncation, or a dysfunctional protein product. This variant is rare in the general population with a frequency below the threshold expected for the associated phenotype(s). Given the available evidence, this variant is classified as Likely Pathogenic.

Labcorp Genetics (formerly Invitae), Labcorp
Classification: Uncertain significance for Athabaskan severe combined immunodeficiency. Last evaluated: 2022-03-01. Review status: criteria provided, single submitter. Criteria: Invitae Variant Classification Sherloc (09022015). Collection method: clinical testing. Allele origin: germline.
Comment: In summary, the available evidence is currently insufficient to determine the role of this variant in disease. Therefore, it has been classified as a Variant of Uncertain Significance. This variant has not been reported in the literature in individuals affected with DCLRE1C-related conditions. This variant is not present in population databases (gnomAD no frequency). This sequence change creates a premature translational stop signal (p.Ile586Serfs*18) in the DCLRE1C gene. While this is not anticipated to result in nonsense mediated decay, it is expected to disrupt the last 107 amino acid(s) of the DCLRE1C protein.